The following is an entry in ClinVar:

NM_000289.6(PFKM):c.1091del (p.Glu364fs)

Gene: PFKM (phosphofructokinase, muscle; plus strand). Cytogenetic location: 12q13.11.
Variant type: Deletion.
Coding change: c.1091del on transcript NM_000289.6 (MANE Select); coding-DNA position 1091, one base deleted (A; older notation c.1091delA).
Protein change: p.Glu364fs; shifts the reading frame from glutamic acid 364.
Molecular consequence: frameshift variant. On other transcripts: non-coding transcript variant (6).
Genome position (GRCh38, 1-based): chr12:48,139,313, A deleted. VCF-style (leftmost placement, unchanged base first): chr12-48139312-GA-G. GRCh37 (hg19) VCF-style: chr12-48533095-GA-G.
Other names: c.1304del, p.Glu435fs (NM_001166686.2, NM_001354738.1, NM_001354739.1 and 1 more transcripts); c.1400del, p.Glu467fs (NM_001354735.1, NM_001354736.1); c.1091del, p.Glu364fs (NM_001166687.2, NM_001166688.2, NM_001354742.2 and 2 more transcripts); c.1235del, p.Glu412fs (NM_001354740.1); c.1115del, p.Glu372fs (NM_001354741.2); c.1004del, p.Glu335fs (NM_001354745.2); c.965del, p.Glu322fs (NM_001354746.2); c.941del, p.Glu314fs (NM_001354747.2, NM_001354748.2); and 1 more; short protein forms E322fs, E314fs, E372fs, E364fs, E412fs, E435fs, E467fs, E333fs.
Identifiers: ClinVar variation 2707072 (VCV002707072.3), dbSNP rs2498494038, ClinGen allele CA2697559235.

ClinVar aggregate classification (germline): Pathogenic (1 of 4 stars; one submission).

Conditions:
Glycogen storage disease, type VII (GSD7). Also called: GSD VII; MUSCLE PHOSPHOFRUCTOKINASE DEFICIENCY; PFKM DEFICIENCY; TARUI DISEASE. Identifiers: Orphanet 371, MedGen C0017926, MONDO:0009295, OMIM 232800.

Submission:

Labcorp Genetics (formerly Invitae), Labcorp
Classification: Pathogenic for Glycogen storage disease, type VII. Last evaluated: 2024-01-02. Review status: criteria provided, single submitter. Criteria: Invitae Variant Classification Sherloc (09022015). Collection method: clinical testing. Allele origin: germline.
Comment: This sequence change creates a premature translational stop signal (p.Glu364Glyfs*8) in the PFKM gene. It is expected to result in an absent or disrupted protein product. Loss-of-function variants in PFKM are known to be pathogenic (PMID: 7825568, 8037209). This variant is not present in population databases (gnomAD no frequency). This variant has not been reported in the literature in individuals affected with PFKM-related conditions. Algorithms developed to predict the effect of sequence changes on RNA splicing suggest that this variant may disrupt the consensus splice site. For these reasons, this variant has been classified as Pathogenic.

Literature cited by the submitters: PubMed 7825568; PubMed 8037209.